The following is an entry in ClinVar:

ClinVar aggregate classification (germline): Uncertain significance. Review status: criteria provided, multiple submitters, no conflicts (2 of 4 stars). 3 submissions from 3 submitters: Uncertain significance (3). Last evaluated 2023-04-11.

Conditions:
Autosomal dominant nonsyndromic hearing loss 2A. Also called: DFNA2 Nonsyndromic Hearing Loss; Deafness, autosomal dominant 2A; Autosomal dominant nonsyndromic deafness 2A. Identifiers: Orphanet 90635, MedGen C2677637, MONDO:0010817, OMIM 600101.

Allele frequency attached by ClinVar (database versions not stated): gnomAD 0.00001; gnomAD exomes 0.00001; TOPMed 0.00001.
gnomAD v4.1: 14 of 1,604,714 alleles (0.00087%); highest among the groups gnomAD compares: Non-Finnish European, 0.0012%; no homozygotes.

Submissions (3):

Genome-Nilou Lab
Classification: Uncertain significance for Autosomal dominant nonsyndromic hearing loss 2A. Last evaluated: 2023-04-11. Review status: criteria provided, single submitter. Criteria: ACMG Guidelines, 2015. Collection method: clinical testing. Allele origin: germline. Affected: no.

Labcorp Genetics (formerly Invitae), Labcorp
Classification: Uncertain significance. Last evaluated: 2022-10-14. Review status: criteria provided, single submitter. Criteria: Invitae Variant Classification Sherloc (09022015). Collection method: clinical testing. Allele origin: germline.
Comment: In summary, the available evidence is currently insufficient to determine the role of this variant in disease. Therefore, it has been classified as a Variant of Uncertain Significance. Variants that disrupt the consensus splice site are a relatively common cause of aberrant splicing (PMID: 17576681, 9536098). Algorithms developed to predict the effect of sequence changes on RNA splicing suggest that this variant may create or strengthen a splice site. ClinVar contains an entry for this variant (Variation ID: 228774). This variant has not been reported in the literature in individuals affected with KCNQ4-related conditions. This variant is present in population databases (no rsID available, gnomAD 0.002%). This sequence change falls in intron 6 of the KCNQ4 gene. It does not directly change the encoded amino acid sequence of the KCNQ4 protein. It affects a nucleotide within the consensus splice site.

Laboratory for Molecular Medicine, Mass General Brigham Personalized Medicine
Classification: Uncertain significance. Last evaluated: 2015-06-19. Review status: criteria provided, single submitter. Criteria: LMM Criteria. Collection method: clinical testing. Allele origin: germline. Observed: 1 variant allele.
Comment: The c.946-3T>A variant in KCNQ4 has not been previously reported in individuals with hearing loss or in large population studies. This variant is located in the 3' splice region. Computational tools do not suggest a strong impact to splicin g. However, this information is not predictive enough to rule out pathogenicity. In summary, the clinical significance of the c.946-3T>A variant is uncertain.

Literature cited by the submitters: PubMed 17576681 (cited by Labcorp Genetics (formerly Invitae), Labcorp); PubMed 9536098 (cited by Labcorp Genetics (formerly Invitae), Labcorp).

NM_004700.4(KCNQ4):c.946-3T>A

Gene: KCNQ4 (potassium voltage-gated channel subfamily Q member 4; plus strand). Cytogenetic location: 1p34.2.
Variant type: single nucleotide variant.
Coding change: c.946-3T>A on transcript NM_004700.4 (MANE Select); 3 bases into the intron before coding-DNA position 946, T replaced by A.
Molecular consequence: intron variant.
Genome position (GRCh38, 1-based): chr1:40,820,162, T>A. VCF-style: chr1-40820162-T-A. GRCh37 (hg19) VCF-style: chr1-41285834-T-A.
Other names: c.946-3T>A (NM_172163.3).
Identifiers: ClinVar variation 228774 (VCV000228774.9), dbSNP rs876657840, ClinGen allele CA10576425.